The following is an entry in ClinVar:

ClinVar aggregate classification (germline): Likely benign. Review status: criteria provided, multiple submitters, no conflicts (2 of 4 stars). 2 submissions from 2 submitters: Likely benign (2). Last evaluated 2025-09-02.

Conditions:
Distal myopathy with posterior leg and anterior hand involvement. Also called: WILLIAMS DISTAL MYOPATHY. Identifiers: Orphanet 63273, MedGen C3279722, MONDO:0013550, OMIM 614065.
Hypertrophic cardiomyopathy 26. Also called: Cardiomyopathy, familial hypertrophic, 26. Identifiers: Orphanet 75249, MedGen C4310749, MONDO:0014883, OMIM 617047.
Myofibrillar myopathy 5. Also called: Filaminopathy (type); FILAMINOPATHY, AUTOSOMAL DOMINANT. Identifiers: Orphanet 171445, MedGen C1836050, MONDO:0012289, OMIM 609524.

gnomAD v4.1: 13 of 1,612,872 alleles (0.00081%); highest among the groups gnomAD compares: Admixed American, 0.0017%; no homozygotes.

Submissions (2):

Labcorp Genetics (formerly Invitae), Labcorp
Classification: Likely benign for Distal myopathy with posterior leg and anterior hand involvement; Myofibrillar myopathy 5; Hypertrophic cardiomyopathy 26. Last evaluated: 2025-09-02. Review status: criteria provided, single submitter. Criteria: Invitae Variant Classification Sherloc (09022015). Collection method: clinical testing. Allele origin: germline.

CeGaT Center for Human Genetics Tuebingen
Classification: Likely benign. Last evaluated: 2025-07-01. Review status: criteria provided, single submitter. Criteria: CeGaT Center For Human Genetics Tuebingen Variant Classification Criteria Version 2. Collection method: clinical testing. Allele origin: germline. Affected: yes. Observed: 1 variant allele.
Comment: FLNC: BP4, BP7

NM_001458.5(FLNC):c.72G>C (p.Thr24=)

Gene: FLNC (filamin C; plus strand). Cytogenetic location: 7q32.1.
Variant type: single nucleotide variant.
Coding change: c.72G>C on transcript NM_001458.5 (MANE Select); coding-DNA position 72, G replaced by C.
Protein change: p.Thr24=; no amino-acid change (threonine 24 retained).
Molecular consequence: synonymous variant.
Genome position (GRCh38, 1-based): chr7:128,830,709, G>C. VCF-style: chr7-128830709-G-C. GRCh37 (hg19) VCF-style: chr7-128470763-G-C.
Other names: c.72G>C, p.Thr24= (NM_001127487.2).
Identifiers: ClinVar variation 4084056 (VCV004084056.9).
Genomic context (GRCh38, chr7:128,830,709, plus strand): 5'-CAGCGGCTACTCAGACGCCGGCCTCGGCCTGGGCGATGAGACAGACGAGATGCCGTCCAC[G>C]GAGAAGGACCTGGCGGAGGACGCGCCGTGGAAGAAGATCCAGCAGAACACATTCACGCGC-3'
Protein context (NP_001449.3, residues 14-34): LGDETDEMPS[Thr24=]EKDLAEDAPW